The following is an entry in ClinVar:

ClinVar aggregate classification (germline): Uncertain significance. Review status: criteria provided, multiple submitters, no conflicts (2 of 4 stars). 3 submissions from 3 submitters: Uncertain significance (3). Last evaluated 2025-03-23.

Allele frequency attached by ClinVar (database versions not stated): TOPMed 0.00004; ExAC 0.00001; gnomAD exomes 0.00001; gnomAD 0.00003.
gnomAD v4.1: 12 of 1,613,398 alleles (0.00074%); highest among the groups gnomAD compares: African/African-American, 0.016%; no homozygotes.

Submissions (3):

Revvity Omics, Revvity
Classification: Uncertain significance. Last evaluated: 2025-03-23. Review status: criteria provided, single submitter. Criteria: ACMG Guidelines, 2015. Collection method: clinical testing. Allele origin: germline.

Athena Diagnostics
Classification: Uncertain significance. Last evaluated: 2019-11-07. Review status: criteria provided, single submitter. Criteria: Athena Diagnostics Criteria. Collection method: clinical testing. Allele origin: unknown.

GeneDx
Classification: Uncertain significance. Last evaluated: 2014-10-29. Review status: criteria provided, single submitter. Criteria: GeneDx Variant Classification (06012015). Collection method: clinical testing. Allele origin: germline. Affected: yes.
Comment: Missense variants in the TTN gene are considered 'unclassified' if they are not previously reported in the literature and do not have >1% frequency in the population to be considered a polymorphism. Research indicates that truncating mutations in the TTN gene are expected to account for approximately 25% of familial and 18% of sporadic idiopathic DCM; however, truncating variants in the TTN gene have been reported in approximately 3% of reported control alleles. There has been little investigation into non-truncating variants. (Herman D et al. Truncations of titin causing dilated cardiomyopathy. N Eng J Med 366:619-628, 2012) The variant is found in DCM-CRDM panel(s).

NM_001267550.2(TTN):c.81485C>T (p.Ser27162Leu)

Genes: TTN (titin; minus strand), TTN-AS1 (TTN antisense RNA 1; plus strand). Cytogenetic location: 2q31.2.
Variant type: single nucleotide variant.
Coding change: c.81485C>T on transcript NM_001267550.2 (MANE Select); coding-DNA position 81485, C replaced by T.
Protein change: p.Ser27162Leu; replaces serine 27162 with leucine.
Molecular consequence: missense variant.
Genome position (GRCh38, 1-based): chr2:178,564,647, G>A on the plus strand (C>T on the coding strand, the complement: TTN is on the minus strand). VCF-style: chr2-178564647-G-A. GRCh37 (hg19) VCF-style: chr2-179429374-G-A.
Other names: p.S25521L:TCA>TTA; c.54866C>T, p.Ser18289Leu (NM_133437.4); c.76562C>T, p.Ser25521Leu (NM_001256850.1); c.54290C>T, p.Ser18097Leu (NM_003319.4); c.73781C>T, p.Ser24594Leu (NM_133378.4); c.54665C>T, p.Ser18222Leu (NM_133432.3); short protein forms S25521L, S27162L, S18097L, S24594L, S18222L, S18289L.
Identifiers: ClinVar variation 202907 (VCV000202907.4), dbSNP rs763903239, ClinGen allele CA310653.